The following is an entry in ClinVar:

ClinVar aggregate classification (germline): Uncertain significance. Review status: criteria provided, multiple submitters, no conflicts (2 of 4 stars). 2 submissions from 2 submitters: Uncertain significance (2). Last evaluated 2026-05-11.

Conditions:
Polycystic kidney disease, adult type (PKD1). Also called: POLYCYSTIC KIDNEY DISEASE 1 WITH OR WITHOUT POLYCYSTIC LIVER DISEASE; Polycystic Kidney Disease 1, Autosomal Dominant; Polycystic kidney disease 1; Polycystic kidney disease 1, severe; POLYCYSTIC KIDNEY DISEASE, ADULT, TYPE I; Polycystic Kidney, Autosomal Dominant. Identifiers: MedGen C3149841, MONDO:0008263, OMIM 173900.

Submissions (2):

Women's Health and Genetics/Laboratory Corporation of America, LabCorp
Classification: Uncertain significance. Last evaluated: 2026-05-11. Review status: criteria provided, single submitter. Criteria: LabCorp Variant Classification Summary - May 2015. Collection method: clinical testing. Allele origin: germline.
Comment: Variant summary: PKD1 c.10821G>C (p.Lys3607Asn) results in a non-conservative amino acid change in the encoded protein sequence. Algorithms developed to predict the effect of missense changes on protein structure and function are either unavailable or do not agree on the potential impact of this missense change. Several computational tools predict a significant impact on normal splicing: Four predict the variant weakens a 5' donor site. One predicts the variant strengthens a cryptic 5' donor site. However, these predictions have yet to be confirmed by functional studies. The variant was absent in 164888 control chromosomes. The available data on variant occurrences in the general population are insufficient to allow any conclusion about variant significance. To our knowledge, no occurrence of c.10821G>C in individuals affected with PKD1-related conditions and no experimental evidence demonstrating its impact on protein function have been reported. ClinVar contains an entry for this variant (Variation ID: 976146). Based on the evidence outlined above, the variant was classified as uncertain significance.

Institute of Human Genetics, University of Leipzig Medical Center
Classification: Uncertain significance for Polycystic kidney disease, adult type. Last evaluated: 2019-06-25. Review status: criteria provided, single submitter. Criteria: ACMG Guidelines, 2015. Collection method: clinical testing. Allele origin: germline. Affected: yes. Observed: 1 variant allele.

NM_001009944.3(PKD1):c.10821G>C (p.Lys3607Asn)

Genes: PKD1 (polycystin 1, transient receptor potential channel interacting; minus strand), PKD1-AS1 (PKD1 antisense RNA 1; plus strand). Cytogenetic location: 16p13.3.
Variant type: single nucleotide variant.
Coding change: c.10821G>C on transcript NM_001009944.3 (MANE Select); coding-DNA position 10821, G replaced by C.
Protein change: p.Lys3607Asn; replaces lysine 3607 with asparagine.
Molecular consequence: missense variant.
Genome position (GRCh38, 1-based): chr16:2,093,811, C>G on the plus strand (G>C on the coding strand, the complement: PKD1 is on the minus strand). VCF-style: chr16-2093811-C-G. GRCh37 (hg19) VCF-style: chr16-2143812-C-G.
Other names: c.10818G>C, p.Lys3606Asn (NM_000296.4); short protein forms K3606N, K3607N.
Identifiers: ClinVar variation 976146 (VCV000976146.2), dbSNP rs2091722144, ClinGen allele CA394339576.
Genomic context (GRCh38, chr16:2,093,811, plus strand): 5'-TGGCTTCAGAGGGGTCCCCCGTGATGGAGGCCTGTAGCCTACCCCTGGCAGCCCCCTCAC[C>G]TTCAGTGGCTCCCAGCCGAGGAATGAGGCCAGGAAGCTGGCGCTGCTGGACAGGAGCCAC-3'
Protein context (NP_001009944.3, residues 3597-3617): LASFLGWEPL[Lys3607Asn]VLLEALYFSL